The following is an entry in ClinVar:

ClinVar aggregate classification (germline): Likely benign. Review status: criteria provided, multiple submitters, no conflicts (2 of 4 stars). 3 submissions from 3 submitters: Likely benign (3). Last evaluated 2024-10-16.

Conditions:
Intellectual developmental disorder, autosomal dominant 1. Also called: MBD5 Haploinsufficiency; Intellectual disability, autosomal dominant 1. Identifiers: Orphanet 228402, MedGen C1969562, MONDO:0007974, OMIM 156200.

Allele frequency attached by ClinVar (database versions not stated): TOPMed 0.00002; gnomAD exomes 0.00001 and 0.00002; ExAC 0.00004; gnomAD 0.00002.
gnomAD v4.1: 13 of 1,613,956 alleles (0.00081%); highest among the groups gnomAD compares: African/African-American, 0.0053%; no homozygotes.

Submissions (3):

Labcorp Genetics (formerly Invitae), Labcorp
Classification: Likely benign for Intellectual developmental disorder, autosomal dominant 1. Last evaluated: 2024-10-16. Review status: criteria provided, single submitter. Criteria: Invitae Variant Classification Sherloc (09022015). Collection method: clinical testing. Allele origin: germline.

CeGaT Center for Human Genetics Tuebingen
Classification: Likely benign. Last evaluated: 2024-04-01. Review status: criteria provided, single submitter. Criteria: CeGaT Center For Human Genetics Tuebingen Variant Classification Criteria Version 2. Collection method: clinical testing. Allele origin: germline. Affected: yes. Observed: 1 variant allele.
Comment: MBD5: BP4, BP7

Athena Diagnostics
Classification: Likely benign. Last evaluated: 2017-03-29. Review status: criteria provided, single submitter. Criteria: Athena Diagnostics Criteria. Collection method: clinical testing. Allele origin: germline.

NM_001378120.1(MBD5):c.3951C>T (p.Ser1317=)

Gene: MBD5 (methyl-CpG binding domain protein 5; plus strand). Cytogenetic location: 2q23.1.
Variant type: single nucleotide variant.
Coding change: c.3951C>T on transcript NM_001378120.1 (MANE Select); coding-DNA position 3951, C replaced by T.
Protein change: p.Ser1317=; no amino-acid change (serine 1317 retained).
Molecular consequence: synonymous variant.
Genome position (GRCh38, 1-based): chr2:148,489,583, C>T. VCF-style: chr2-148489583-C-T. GRCh37 (hg19) VCF-style: chr2-149247152-C-T.
Other names: c.3252C>T, p.Ser1084= (NM_018328.5).
Identifiers: ClinVar variation 447709 (VCV000447709.29), dbSNP rs762115057, ClinGen allele CA1900362.